The following is an entry in ClinVar:

ClinVar aggregate classification (germline): Likely benign. Review status: criteria provided, single submitter (1 of 4 stars). 2 submissions from 2 submitters: Likely benign (1). 1 of the submissions does not count toward it. Last evaluated 2025-12-14.

Conditions:
BBS2-related disorder. Also called: BBS2-related disorders; BBS2-related condition. Identifiers: MedGen CN239228.
Bardet-Biedl syndrome (BBS). Identifiers: Orphanet 110, MedGen C0752166, MONDO:0015229.

Allele frequency attached by ClinVar (database versions not stated): gnomAD exomes below 0.00001.
gnomAD v4.1: 4 of 1,614,078 alleles (0.00025%); highest among the groups gnomAD compares: Non-Finnish European, 0.00034%; no homozygotes.

Submissions (2):

Labcorp Genetics (formerly Invitae), Labcorp
Classification: Likely benign for Bardet-Biedl syndrome. Last evaluated: 2025-12-14. Review status: criteria provided, single submitter. Criteria: Invitae Variant Classification Sherloc (09022015). Collection method: clinical testing. Allele origin: germline.

PreventionGenetics, part of Exact Sciences
Classification: Uncertain significance for BBS2-related condition. Last evaluated: 2024-04-23. Review status: no assertion criteria provided. Collection method: clinical testing. Allele origin: germline. Not counted in ClinVar's aggregate classification.
Comment: The BBS2 c.1389C>T variant is not predicted to result in an amino acid change (p.=). This variant is predicted to impact splicing at the consensus donor site based on splicing prediction programs (SpliceAI, Jaganathan K, et al. 2019. PubMed ID: 30661751). To our knowledge, this variant has not been reported in the literature or in a large population database, indicating this variant is rare. At this time, the clinical significance of this variant is uncertain due to the absence of conclusive functional and genetic evidence.

NM_031885.5(BBS2):c.1389C>T (p.Tyr463=)

Gene: BBS2 (Bardet-Biedl syndrome 2; minus strand). Cytogenetic location: 16q13.
Variant type: single nucleotide variant.
Coding change: c.1389C>T on transcript NM_031885.5 (MANE Select); coding-DNA position 1389, C replaced by T.
Protein change: p.Tyr463=; no amino-acid change (tyrosine 463 retained).
Molecular consequence: synonymous variant. On other transcripts: non-coding transcript variant (2).
Genome position (GRCh38, 1-based): chr16:56,500,862, G>A on the plus strand (C>T on the coding strand, the complement: BBS2 is on the minus strand). VCF-style: chr16-56500862-G-A. GRCh37 (hg19) VCF-style: chr16-56534774-G-A.
Other names: c.1389C>T, p.Tyr463= (NM_001377456.1); c.1389C>T (NM_031885.3).
Identifiers: ClinVar variation 2734348 (VCV002734348.4), dbSNP rs1128808, ClinGen allele CA495586772.